The following is an entry in ClinVar:

ClinVar aggregate classification (germline): Uncertain significance (1 of 4 stars; one submission).

Conditions:
Hereditary cancer-predisposing syndrome. Also called: Neoplastic Syndromes, Hereditary; Tumor predisposition; Hereditary neoplastic syndrome; Hereditary Cancer Syndrome. Identifiers: Orphanet 140162, MedGen C0027672, MeSH D009386, MONDO:0015356.

gnomAD v4.1: 1 of 1,614,156 alleles (0.000062%); highest among the groups gnomAD compares: Non-Finnish European, 0.000085%; no homozygotes.

Submission:

Ambry Genetics
Classification: Uncertain significance for Hereditary cancer-predisposing syndrome. Last evaluated: 2026-07-14. Review status: criteria provided, single submitter. Criteria: Ambry Variant Classification Scheme 2023. Collection method: clinical testing. Allele origin: germline.
Comment: The p.P681S variant (also known as c.2041C>T), located in coding exon 14 of the PTCH1 gene, results from a C to T substitution at nucleotide position 2041. The proline at codon 681 is replaced by serine, an amino acid with similar properties. This amino acid position is highly conserved in available vertebrate species. In addition, this alteration is predicted to be deleterious by in silico analysis. Based on the available evidence, the clinical significance of this variant remains unclear.

NM_000264.5(PTCH1):c.2041C>T (p.Pro681Ser)

Genes: PTCH1 (patched 1; minus strand), LOC100507346 (uncharacterized LOC100507346; plus strand). Cytogenetic location: 9q22.32.
Variant type: single nucleotide variant.
Coding change: c.2041C>T on transcript NM_000264.5 (MANE Select); coding-DNA position 2041, C replaced by T.
Protein change: p.Pro681Ser; replaces proline 681 with serine.
Molecular consequence: missense variant. On other transcripts: non-coding transcript variant (2).
Genome position (GRCh38, 1-based): chr9:95,468,960, G>A on the plus strand (C>T on the coding strand, the complement: PTCH1 is on the minus strand). VCF-style: chr9-95468960-G-A. GRCh37 (hg19) VCF-style: chr9-98231242-G-A.
Other names: c.1843C>T, p.Pro615Ser (NM_001083602.3); c.2038C>T, p.Pro680Ser (NM_001083603.3); c.1588C>T, p.Pro530Ser (NM_001083604.3, NM_001083605.3, NM_001083606.3 and 1 more transcripts); c.1885C>T, p.Pro629Ser (NM_001354918.2); short protein forms P629S, P681S, P530S, P615S, P680S.
Identifiers: ClinVar variation 5027515 (VCV005027515.1).